The following is an entry in ClinVar:

ClinVar aggregate classification (germline): Uncertain significance (1 of 4 stars; one submission).

gnomAD v4.1: 2 of 1,612,724 alleles (0.00012%); highest among the groups gnomAD compares: Non-Finnish European, 0.00017%; no homozygotes.

Submission:

Labcorp Genetics (formerly Invitae), Labcorp
Classification: Uncertain significance. Last evaluated: 2023-08-24. Review status: criteria provided, single submitter. Criteria: Invitae Variant Classification Sherloc (09022015). Collection method: clinical testing. Allele origin: germline.
Comment: ClinVar contains an entry for this variant (Variation ID: 2051361). This sequence change replaces arginine, which is basic and polar, with histidine, which is basic and polar, at codon 1665 of the KMT2A protein (p.Arg1665His). This variant is not present in population databases (gnomAD no frequency). This variant has not been reported in the literature in individuals affected with KMT2A-related conditions. Advanced modeling of protein sequence and biophysical properties (such as structural, functional, and spatial information, amino acid conservation, physicochemical variation, residue mobility, and thermodynamic stability) has been performed at Invitae for this missense variant, however the output from this modeling did not meet the statistical confidence thresholds required to predict the impact of this variant on KMT2A protein function. In summary, the available evidence is currently insufficient to determine the role of this variant in disease. Therefore, it has been classified as a Variant of Uncertain Significance.

NM_001197104.2(KMT2A):c.4994G>A (p.Arg1665His)

Gene: KMT2A (lysine methyltransferase 2A; plus strand). Cytogenetic location: 11q23.3.
Variant type: single nucleotide variant.
Coding change: c.4994G>A on transcript NM_001197104.2 (MANE Select); coding-DNA position 4994, G replaced by A.
Protein change: p.Arg1665His; replaces arginine 1665 with histidine.
Molecular consequence: missense variant.
Genome position (GRCh38, 1-based): chr11:118,491,918, G>A. VCF-style: chr11-118491918-G-A. GRCh37 (hg19) VCF-style: chr11-118362633-G-A.
Other names: c.5084G>A, p.Arg1695His (NM_001412597.1); c.4985G>A, p.Arg1662His (NM_005933.4); short protein forms R1665H, R1662H, R1695H.
Identifiers: ClinVar variation 2051361 (VCV002051361.4), dbSNP rs781823826, ClinGen allele CA382836410.